The following is an entry in ClinVar:

NM_001127173.3(CADM3):c.89-2078T>C

Gene: CADM3 (cell adhesion molecule 3; plus strand). Cytogenetic location: 1q23.2.
Variant type: single nucleotide variant.
Coding change: c.89-2078T>C on transcript NM_001127173.3 (MANE Select); 2078 bases into the intron before coding-DNA position 89, T replaced by C.
Molecular consequence: intron variant. On other transcripts: missense variant (1).
Genome position (GRCh38, 1-based): chr1:159,189,858, T>C. VCF-style: chr1-159189858-T-C. GRCh37 (hg19) VCF-style: chr1-159159648-T-C.
Other names: c.176T>C, p.Met59Thr (NM_021189.5); c.89-2078T>C (NM_001346510.2); short protein forms M59T.
Identifiers: ClinVar variation 5008192 (VCV005008192.1).
Genomic context (GRCh38, chr1:159,189,858, plus strand): 5'-TGGGAACTCTGGCTCCACTCGACGAGGCCATCAGCTCCACAGTCTGGAGCAGCCCTGACA[T>C]GCTGGCCAGTCAAGGTGAGAATCCAGGCCCCCTCATCTCAATGTCCCTCAGTTCCCTCAC-3'

ClinVar aggregate classification (germline): Uncertain significance (1 of 4 stars; one submission).

gnomAD v4.1: 1 of 1,601,396 alleles (0.000062%); highest among the groups gnomAD compares: South Asian, 0.0011%; no homozygotes.

Submission:

GeneDx
Classification: Uncertain significance. Last evaluated: 2026-02-18. Review status: criteria provided, single submitter. Criteria: GeneDx Variant Classification Process June 2021. Collection method: clinical testing. Allele origin: germline.
Comment: Not observed at significant frequency in large population cohorts (gnomAD); In silico analysis suggests that this missense variant does not alter protein structure/function; Has not been previously published as pathogenic or benign to our knowledge